The following is an entry in ClinVar:

ClinVar aggregate classification (germline): Uncertain significance (1 of 4 stars; one submission).

Submission:

GeneDx
Classification: Uncertain significance. Last evaluated: 2026-04-17. Review status: criteria provided, single submitter. Criteria: GeneDx Variant Classification Process June 2021. Collection method: clinical testing. Allele origin: germline.
Comment: Not observed at significant frequency in large population cohorts (gnomAD); In silico analysis supports that this missense variant has a deleterious effect on protein structure/function; Has not been previously published as pathogenic or benign to our knowledge

NM_031407.7(HUWE1):c.2759T>A (p.Ile920Asn)

Gene: HUWE1 (HECT, UBA and WWE domain containing E3 ubiquitin protein ligase 1; minus strand). Cytogenetic location: Xp11.22.
Variant type: single nucleotide variant.
Coding change: c.2759T>A on transcript NM_031407.7 (MANE Select); coding-DNA position 2759, T replaced by A.
Protein change: p.Ile920Asn; replaces isoleucine 920 with asparagine.
Molecular consequence: missense variant.
Genome position (GRCh38, 1-based): chrX:53,603,485, A>T on the plus strand (T>A on the coding strand, the complement: HUWE1 is on the minus strand). VCF-style: chrX-53603485-A-T. GRCh37 (hg19) VCF-style: chrX-53630446-A-T.
Other names: c.2759T>A, p.Ile920Asn (NM_001441048.1, NM_001441049.1, NM_001441051.1 and 6 more transcripts); c.2780T>A, p.Ile927Asn (NM_001441050.1, NM_001441055.1); short protein forms I920N, I927N.
Identifiers: ClinVar variation 5037703 (VCV005037703.1).